The following is an entry in ClinVar:

NM_001649.4(SHROOM2):c.4383C>T (p.Asp1461=)

Gene: SHROOM2 (shroom family member 2; plus strand). Cytogenetic location: Xp22.2.
Variant type: single nucleotide variant.
Coding change: c.4383C>T on transcript NM_001649.4 (MANE Select); coding-DNA position 4383, C replaced by T.
Protein change: p.Asp1461=; no amino-acid change (aspartic acid 1461 retained).
Molecular consequence: synonymous variant.
Genome position (GRCh38, 1-based): chrX:9,944,712, C>T. VCF-style: chrX-9944712-C-T. GRCh37 (hg19) VCF-style: chrX-9912752-C-T.
Other names: c.888C>T, p.Asp296= (NM_001320663.2); c.885C>T, p.Asp295= (NM_001320664.2).
Identifiers: ClinVar variation 3042352 (VCV003042352.2), dbSNP rs61741856, ClinGen allele CA10345955.

ClinVar aggregate classification (germline): Benign (0 of 4 stars; one submission).

Conditions:
SHROOM2-related disorder. Also called: SHROOM2-related condition.

Allele frequency attached by ClinVar (database versions not stated): 1000 Genomes Project 0.00185; 1000 Genomes Project 30x 0.00250; TOPMed 0.00383; ESP Exome Variant Server 0.00540; gnomAD 0.00551; ExAC 0.00671; gnomAD exomes 0.00673.
gnomAD v4.1: 7,976 of 1,210,183 alleles (0.66%); highest among the groups gnomAD compares: Non-Finnish European, 0.71%; 35 homozygotes.

Submission:

PreventionGenetics, part of Exact Sciences
Classification: Benign for SHROOM2-related condition. Last evaluated: 2019-08-20. Review status: no assertion criteria provided. Collection method: clinical testing. Allele origin: germline.
Comment: This variant is classified as benign based on ACMG/AMP sequence variant interpretation guidelines (Richards et al. 2015 PMID: 25741868, with internal and published modifications).